The following is an entry in ClinVar:

NM_004982.4(KCNJ8):c.1001T>C (p.Val334Ala)

Genes: KCNJ8-AS1 (KCNJ8 antisense RNA 1; plus strand), KCNJ8 (potassium inwardly rectifying channel subfamily J member 8; minus strand). Cytogenetic location: 12p12.1.
Variant type: single nucleotide variant.
Coding change: c.1001T>C on transcript NM_004982.4 (MANE Select); coding-DNA position 1001, T replaced by C.
Protein change: p.Val334Ala; replaces valine 334 with alanine.
Molecular consequence: missense variant.
Genome position (GRCh38, 1-based): chr12:21,765,997, A>G on the plus strand (T>C on the coding strand, the complement: KCNJ8 is on the minus strand). VCF-style: chr12-21765997-A-G. GRCh37 (hg19) VCF-style: chr12-21918931-A-G.
Other names: p.V334A:GTG>GCG; short protein forms V334A.
Identifiers: ClinVar variation 137998 (VCV000137998.24), dbSNP rs34811413, ClinGen allele CA291766.
Genomic context (GRCh38, chr12:21,765,997, plus strand): 5'-CTGCACCGTGGAGCAGCTACTTTAACAGTGTTGCCAAATTTGGAGTAATCCACAGAATAC[A>G]CTCCTTCTTCCTCAGTCACAATGGACACAAAGCGGTGGCCCCATTGGATCTCCTCAGCAA-3'
Protein context (NP_004973.1, residues 324-344): FVSIVTEEEG[Val334Ala]YSVDYSKFGN

ClinVar aggregate classification (germline): Benign/Likely benign. Review status: criteria provided, multiple submitters, no conflicts (2 of 4 stars). 9 submissions from 9 submitters: Benign (6); Likely benign (1). 2 of the submissions do not count toward it. Last evaluated 2026-02-03.

Conditions:
Brugada syndrome. Also called: Sudden unexplained nocturnal death syndrome; Sudden unexpected nocturnal death syndrome; Sudden Unexplained Death Syndrome; Sudden Unexplained Nocturnal Death Syndrome (SUNDS). Identifiers: Orphanet 130, MedGen C1142166, MONDO:0015263.
Cardiovascular phenotype. Identifiers: MedGen CN230736.
SUDDEN INFANT DEATH SYNDROME (SIDS). Also called: Sudden Infant Death. Identifiers: MedGen C0038644, MeSH D013398, OMIM 272120.

Allele frequency attached by ClinVar (database versions not stated): gnomAD exomes 0.00161 and 0.00437; ExAC 0.00513; gnomAD 0.01688 and 0.01825; ESP Exome Variant Server 0.01776; TOPMed 0.01924; 1000 Genomes Project 0.01977; 1000 Genomes Project 30x 0.02108.
gnomAD v4.1: 5,047 of 1,613,872 alleles (0.31%); highest among the groups gnomAD compares: African/African-American, 6%; 134 homozygotes.

Submissions (9):

Labcorp Genetics (formerly Invitae), Labcorp
Classification: Benign for Brugada syndrome. Last evaluated: 2026-02-03. Review status: criteria provided, single submitter. Criteria: Invitae Variant Classification Sherloc (09022015). Collection method: clinical testing. Allele origin: germline.

Women's Health and Genetics/Laboratory Corporation of America, LabCorp
Classification: Likely benign. Last evaluated: 2024-06-24. Review status: criteria provided, single submitter. Criteria: LabCorp Variant Classification Summary - May 2015. Collection method: clinical testing. Allele origin: germline.

Genome Diagnostics Laboratory, University Medical Center Utrecht
Classification: Benign for SUDDEN INFANT DEATH SYNDROME. Last evaluated: 2016-08-24. Review status: criteria provided, single submitter. Criteria: ACGS Guidelines, 2013. Collection method: clinical testing. Allele origin: germline. Affected: yes. Study: VKGL Data-share Consensus.

Mayo Clinic Laboratories, Mayo Clinic
Classification: Benign. Last evaluated: 2016-07-20. Review status: criteria provided, single submitter. Criteria: ACMG Guidelines, 2015. Collection method: clinical testing. Allele origin: germline. Observed: 11 variant alleles.

Ambry Genetics
Classification: Benign for Cardiovascular phenotype. Last evaluated: 2015-07-27. Review status: criteria provided, single submitter. Criteria: Ambry Variant Classification Scheme 2023. Collection method: clinical testing. Allele origin: germline.

GeneDx
Classification: Benign. Last evaluated: 2014-01-16. Review status: criteria provided, single submitter. Criteria: GeneDx Variant Classification (06012015). Collection method: clinical testing. Allele origin: germline. Affected: yes.
Comment: This variant is considered likely benign or benign based on one or more of the following criteria: it is a conservative change, it occurs at a poorly conserved position in the protein, it is predicted to be benign by multiple in silico algorithms, and/or has population frequency not consistent with disease.

Breakthrough Genomics
Classification: Benign. Review status: criteria provided, single submitter. Criteria: ACMG Guidelines, 2015. Collection method: not provided. Allele origin: germline. Inheritance: Unknown mechanism. Affected: yes.

Clinical Genetics, Academic Medical Center
Classification: Benign. Review status: no assertion criteria provided. Collection method: clinical testing. Allele origin: germline. Affected: yes. Study: VKGL Data-share Consensus. Not counted in ClinVar's aggregate classification.

Joint Genome Diagnostic Labs from Nijmegen and Maastricht, Radboudumc and MUMC+
Classification: Benign. Review status: no assertion criteria provided. Collection method: clinical testing. Allele origin: germline. Affected: yes. Study: VKGL Data-share Consensus. Not counted in ClinVar's aggregate classification.